The following is an entry in ClinVar:

ClinVar aggregate classification (germline): Uncertain significance (1 of 4 stars; one submission).

Conditions:
COG5-congenital disorder of glycosylation. Also called: CDG IIi; COG5-CDG; CONGENITAL DISORDER OF GLYCOSYLATION, TYPE IIi. Identifiers: Orphanet 263487, MedGen C3150876, MONDO:0013325, OMIM 613612.

Allele frequency attached by ClinVar (database versions not stated): gnomAD exomes below 0.00001.
gnomAD v4.1: 1 of 1,602,568 alleles (0.000062%); highest among the groups gnomAD compares: Middle Eastern, 0.017%; no homozygotes.

Submission:

Labcorp Genetics (formerly Invitae), Labcorp
Classification: Uncertain significance for COG5-congenital disorder of glycosylation. Last evaluated: 2024-10-16. Review status: criteria provided, single submitter. Criteria: Invitae Variant Classification Sherloc (09022015). Collection method: clinical testing. Allele origin: germline.
Comment: This sequence change replaces serine, which is neutral and polar, with phenylalanine, which is neutral and non-polar, at codon 801 of the COG5 protein (p.Ser801Phe). This variant is not present in population databases (gnomAD no frequency). This variant has not been reported in the literature in individuals affected with COG5-related conditions. ClinVar contains an entry for this variant (Variation ID: 2062974). Invitae Evidence Modeling of protein sequence and biophysical properties (such as structural, functional, and spatial information, amino acid conservation, physicochemical variation, residue mobility, and thermodynamic stability) indicates that this missense variant is expected to disrupt COG5 protein function with a positive predictive value of 80%. In summary, the available evidence is currently insufficient to determine the role of this variant in disease. Therefore, it has been classified as a Variant of Uncertain Significance.

NM_006348.5(COG5):c.2309C>T (p.Ser770Phe)

Gene: COG5 (component of oligomeric golgi complex 5; minus strand). Cytogenetic location: 7q22.3.
Variant type: single nucleotide variant.
Coding change: c.2309C>T on transcript NM_006348.5 (MANE Select); coding-DNA position 2309, C replaced by T.
Protein change: p.Ser770Phe; replaces serine 770 with phenylalanine.
Molecular consequence: missense variant. On other transcripts: intron variant (1).
Genome position (GRCh38, 1-based): chr7:107,210,592, G>A on the plus strand (C>T on the coding strand, the complement: COG5 is on the minus strand). VCF-style: chr7-107210592-G-A. GRCh37 (hg19) VCF-style: chr7-106851037-G-A.
Other names: c.2309C>T, p.Ser770Phe (NM_001161520.2); c.2147C>T, p.Ser716Phe (NM_001379511.1); c.2135C>T, p.Ser712Phe (NM_001379512.1); c.1994C>T, p.Ser665Phe (NM_001379514.1); c.1739C>T, p.Ser580Phe (NM_001379515.1); c.1595C>T, p.Ser532Phe (NM_001379516.1); c.2246C>T, p.Ser749Phe (NM_181733.4); c.2169-6962C>T (NM_001379513.1); short protein forms S770F, S532F, S580F, S665F, S749F, S712F, S716F.
Identifiers: ClinVar variation 2062974 (VCV002062974.4), dbSNP rs1481104744, ClinGen allele CA368839533.